The following is an entry in ClinVar:

ClinVar aggregate classification (germline): Conflicting classifications of pathogenicity. Review status: criteria provided, conflicting classifications (1 of 4 stars). 5 submissions from 5 submitters: Uncertain significance (1); Likely benign (4). Last evaluated 2025-06-26.

Conditions:
PLEKHG5-related disorder. Also called: PLEKHG5-related condition.
Inborn genetic diseases. Identifiers: MedGen C0950123, MeSH D030342.
Charcot-Marie-Tooth disease recessive intermediate C. Also called: CHARCOT-MARIE-TOOTH NEUROPATHY, RECESSIVE INTERMEDIATE C. Identifiers: Orphanet 369867, MedGen C3809309, MONDO:0014154, OMIM 615376.
Neuronopathy, distal hereditary motor, autosomal recessive 4. Also called: Autosomal recessive lower motor neuron disease with childhood onset; NEUROPATHY, DISTAL HEREDITARY MOTOR, AUTOSOMAL RECESSIVE 4. Identifiers: Orphanet 206580, MedGen C1970211, MONDO:0012608, OMIM 611067.

Allele frequency attached by ClinVar (database versions not stated): TOPMed 0.00005.
gnomAD v4.1: 34 of 1,611,602 alleles (0.0021%); highest among the groups gnomAD compares: Non-Finnish European, 0.0029%; 1 homozygote.

Submissions (5):

PreventionGenetics, part of Exact Sciences
Classification: Likely benign for PLEKHG5-related condition. Last evaluated: 2025-06-26. Review status: criteria provided, single submitter. Criteria: ACMG Guidelines, 2015. Collection method: clinical testing. Allele origin: germline.
Comment: This variant is classified as likely benign based on ACMG/AMP sequence variant interpretation guidelines (Richards et al. 2015 PMID: 25741868, with internal and published modifications).

Labcorp Genetics (formerly Invitae), Labcorp
Classification: Likely benign for Neuronopathy, distal hereditary motor, autosomal recessive 4; Charcot-Marie-Tooth disease recessive intermediate C. Last evaluated: 2024-04-16. Review status: criteria provided, single submitter. Criteria: Invitae Variant Classification Sherloc (09022015). Collection method: clinical testing. Allele origin: germline.

Ambry Genetics
Classification: Likely benign for Inborn genetic diseases. Last evaluated: 2019-07-11. Review status: criteria provided, single submitter. Criteria: Ambry Variant Classification Scheme 2023. Collection method: clinical testing. Allele origin: germline.

Eurofins Ntd Llc (ga)
Classification: Uncertain significance. Last evaluated: 2017-08-10. Review status: criteria provided, single submitter. Criteria: EGL Classification Definitions 2015. Collection method: clinical testing. Allele origin: germline. Observed: 1 variant allele, 1 heterozygote.

GeneDx
Classification: Likely benign. Last evaluated: 2015-12-23. Review status: criteria provided, single submitter. Criteria: GeneDx Variant Classification (06012015). Collection method: clinical testing. Allele origin: germline. Affected: yes.
Comment: This variant is considered likely benign or benign based on one or more of the following criteria: it is a conservative change, it occurs at a poorly conserved position in the protein, it is predicted to be benign by multiple in silico algorithms, and/or has population frequency not consistent with disease.

NM_020631.6(PLEKHG5):c.997C>A (p.Arg333=)

Gene: PLEKHG5 (pleckstrin homology and RhoGEF domain containing G5; minus strand). Cytogenetic location: 1p36.31.
Variant type: single nucleotide variant.
Coding change: c.997C>A on transcript NM_020631.6 (MANE Select); coding-DNA position 997, C replaced by A.
Protein change: p.Arg333=; no amino-acid change (arginine 333 retained).
Molecular consequence: synonymous variant.
Genome position (GRCh38, 1-based): chr1:6,472,610, G>T on the plus strand (C>A on the coding strand, the complement: PLEKHG5 is on the minus strand). VCF-style: chr1-6472610-G-T. GRCh37 (hg19) VCF-style: chr1-6532670-G-T.
Other names: c.1108C>A, p.Arg370= (NM_001042663.3, NM_001265592.2); c.997C>A, p.Arg333= (NM_001042664.2, NM_001042665.2, NM_001265594.3 and 1 more transcripts); c.1204C>A, p.Arg402= (NM_001265593.2).
Identifiers: ClinVar variation 382227 (VCV000382227.19), dbSNP rs148232621, ClinGen allele CA561677.